The following is an entry in ClinVar:

NM_020975.6(RET):c.626-3C>T

Gene: RET (ret proto-oncogene; plus strand). Cytogenetic location: 10q11.21.
Variant type: single nucleotide variant.
Coding change: c.626-3C>T on transcript NM_020975.6 (MANE Select); 3 bases into the intron before coding-DNA position 626, C replaced by T.
Molecular consequence: intron variant. On other transcripts: 5 prime UTR variant (1).
Genome position (GRCh38, 1-based): chr10:43,104,949, C>T. VCF-style: chr10-43104949-C-T. GRCh37 (hg19) VCF-style: chr10-43600397-C-T.
Other names: c.-140C>T (NM_001355216.2); c.626-3C>T (NM_020630.7, NM_001406743.1, NM_001406744.1 and 6 more transcripts); c.625+2320C>T (NM_001406773.1, NM_001406771.1, NM_001406782.1 and 5 more transcripts); c.497-3C>T (NM_001406764.1, NM_001406762.1, NM_001406761.1 and 2 more transcripts); c.496+2320C>T (NM_001406786.1, NM_001406783.1); c.338-3C>T (NM_001406770.1, NM_001406766.1, NM_001406767.1); c.338-4082C>T (NM_001406778.1, NM_001406775.1, NM_001406776.1 and 1 more transcripts); c.337+4227C>T (NM_001406790.1, NM_001406788.1, NM_001406789.1 and 1 more transcripts); and 2 more.
Identifiers: ClinVar variation 1752505 (VCV001752505.2), dbSNP rs2132702681, ClinGen allele CA2574531931.

ClinVar aggregate classification (germline): Uncertain significance (1 of 4 stars; one submission).

Conditions:
Hereditary cancer-predisposing syndrome. Also called: Hereditary Cancer Syndrome; Hereditary neoplastic syndrome; Neoplastic Syndromes, Hereditary; Tumor predisposition. Identifiers: Orphanet 140162, MedGen C0027672, MeSH D009386, MONDO:0015356.

Submission:

Ambry Genetics
Classification: Uncertain significance for Hereditary cancer-predisposing syndrome. Last evaluated: 2022-08-26. Review status: criteria provided, single submitter. Criteria: Ambry Variant Classification Scheme 2023. Collection method: clinical testing. Allele origin: germline.
Comment: The c.626-3C>T intronic variant results from a C to T substitution 3 nucleotides upstream from coding exon 4 in the RET gene. This nucleotide position is well conserved in available vertebrate species. In silico splice site analysis predicts that this alteration will not have any significant effect on splicing. Since supporting evidence is limited at this time, the clinical significance of this alteration remains unclear.